The following is an entry in ClinVar:

NM_001349338.3(FOXP1):c.28A>C (p.Lys10Gln)

Gene: FOXP1 (forkhead box P1; minus strand). Cytogenetic location: 3p13.
Variant type: single nucleotide variant.
Coding change: c.28A>C on transcript NM_001349338.3 (MANE Select); coding-DNA position 28, A replaced by C.
Protein change: p.Lys10Gln; replaces lysine 10 with glutamine.
Molecular consequence: missense variant. On other transcripts: non-coding transcript variant (2).
Genome position (GRCh38, 1-based): chr3:71,198,354, T>G on the plus strand (A>C on the coding strand, the complement: FOXP1 is on the minus strand). VCF-style: chr3-71198354-T-G. GRCh37 (hg19) VCF-style: chr3-71247505-T-G.
Other names: c.28A>C, p.Lys10Gln (NM_001012505.2, NM_001244808.3, NM_001244810.2 and 6 more transcripts); short protein forms K10Q.
Identifiers: ClinVar variation 3635762 (VCV003635762.2).
Genomic context (GRCh38, chr3:71,198,354, plus strand): 5'-CGCACTCTAGTAAGTGGTTGCTGCCGCCCGACCCATTCTGGATGGCTGAACCGTTACTTT[T>G]TGTCTCAGTCCCAGATTCTTGCATCATGACTCAAAAACCTGATACAAGGATTTCCAAGAT-3'
Protein context (NP_001336267.1, residues 1-20): MMQESGTET[Lys10Gln]SNGSAIQNGS

ClinVar aggregate classification (germline): Uncertain significance (1 of 4 stars; one submission).

Submission:

Labcorp Genetics (formerly Invitae), Labcorp
Classification: Uncertain significance. Last evaluated: 2024-08-28. Review status: criteria provided, single submitter. Criteria: Invitae Variant Classification Sherloc (09022015). Collection method: clinical testing. Allele origin: germline.
Comment: This sequence change replaces lysine, which is basic and polar, with glutamine, which is neutral and polar, at codon 10 of the FOXP1 protein (p.Lys10Gln). This variant is not present in population databases (gnomAD no frequency). This variant has not been reported in the literature in individuals affected with FOXP1-related conditions. Invitae Evidence Modeling of protein sequence and biophysical properties (such as structural, functional, and spatial information, amino acid conservation, physicochemical variation, residue mobility, and thermodynamic stability) has been performed for this missense variant. However, the output from this modeling did not meet the statistical confidence thresholds required to predict the impact of this variant on FOXP1 protein function. In summary, the available evidence is currently insufficient to determine the role of this variant in disease. Therefore, it has been classified as a Variant of Uncertain Significance.